The following is an entry in ClinVar:

ClinVar aggregate classification (germline): Pathogenic. Review status: criteria provided, multiple submitters, no conflicts (2 of 4 stars). 2 submissions from 2 submitters: Pathogenic (2). Last evaluated 2026-05-26.

Conditions:
Hereditary cancer-predisposing syndrome. Also called: Neoplastic Syndromes, Hereditary; Tumor predisposition; Hereditary Cancer Syndrome; Hereditary neoplastic syndrome. Identifiers: Orphanet 140162, MedGen C0027672, MeSH D009386, MONDO:0015356.
Multiple endocrine neoplasia, type 1 (MEN1). Also called: MEN I; WERMER SYNDROME; Endocrine adenomatosis multiple; MEN 1; MEA I. Identifiers: Orphanet 652, MedGen C0025267, MeSH D018761, MONDO:0007540, OMIM 131100.

Submissions (2):

Ambry Genetics
Classification: Pathogenic for Hereditary cancer-predisposing syndrome. Last evaluated: 2026-05-26. Review status: criteria provided, single submitter. Criteria: Ambry Variant Classification Scheme 2023. Collection method: clinical testing. Allele origin: germline.
Comment: The c.1234delC pathogenic mutation, located in coding exon 8 of the MEN1 gene, results from a deletion of one nucleotide at nucleotide position 1234, causing a translational frameshift with a predicted alternate stop codon (p.H412Tfs*33). This variant occurs at the 3' terminus of the gene, is not expected to trigger nonsense-mediated mRNA decay, and impacts the last 33% of the protein. However, premature stop codons are typically deleterious in nature and the impacted region is critical for protein function (Ambry internal data). This variant is considered to be rare based on population cohorts in the Genome Aggregation Database (gnomAD). Based on the supporting evidence, this variant is interpreted as a disease-causing mutation.

Labcorp Genetics (formerly Invitae), Labcorp
Classification: Pathogenic for Multiple endocrine neoplasia, type 1. Last evaluated: 2025-07-03. Review status: criteria provided, single submitter. Criteria: Invitae Variant Classification Sherloc (09022015). Collection method: clinical testing. Allele origin: germline.
Comment: This sequence change creates a premature translational stop signal (p.His412Thrfs*33) in the MEN1 gene. While this is not anticipated to result in nonsense mediated decay, it is expected to disrupt the last 199 amino acid(s) of the MEN1 protein. This variant is not present in population databases (gnomAD no frequency). This variant has not been reported in the literature in individuals affected with MEN1-related conditions. ClinVar contains an entry for this variant (Variation ID: 2107586). This variant disrupts a region of the MEN1 protein in which other variant(s) (p.Gln586*) have been determined to be pathogenic (PMID: 15331604, 16449969; internal data). This suggests that this is a clinically significant region of the protein, and that variants that disrupt it are likely to be disease-causing. For these reasons, this variant has been classified as Pathogenic.

Literature cited by the submitters: PubMed 15331604 (cited by Labcorp Genetics (formerly Invitae), Labcorp); PubMed 16449969 (cited by Labcorp Genetics (formerly Invitae), Labcorp).

NM_001370259.2(MEN1):c.1234del (p.His412fs)

Gene: MEN1 (menin 1; minus strand). Cytogenetic location: 11q13.1.
Variant type: Deletion.
Coding change: c.1234del on transcript NM_001370259.2 (MANE Select); coding-DNA position 1234, one base deleted (C; older notation c.1234delC).
Protein change: p.His412fs; shifts the reading frame from histidine 412.
Molecular consequence: frameshift variant.
Genome position (GRCh38, 1-based): chr11:64,805,150, G deleted on the plus strand (C on the coding strand, the reverse complement: MEN1 is on the minus strand); the first of 3 consecutive G bases (chr11:64,805,150-64,805,152); deleting any one gives the same sequence. VCF-style (leftmost placement, unchanged base first): chr11-64805149-TG-T. GRCh37 (hg19) VCF-style: chr11-64572621-TG-T.
Other names: c.1253delC, p.His419Thrfs (NM_001407151.1); c.1234del, p.His412fs (NM_130799.3, NM_001370260.2, NM_001370261.2); c.1249del, p.His417fs (NM_130800.3, NM_130801.3, NM_130802.3 and 3 more transcripts); c.1234delC (NM_130799.2); c.1360del, p.His454fs (NM_001370251.2); c.1129del, p.His377fs (NM_001370262.2, NM_001370263.2); c.1358delC, p.His454Thrfs (NM_001407142.1, NM_001407143.1, NM_001407144.1); c.1247delC, p.His417Thrfs (NM_001407145.1); and 3 more; short protein forms H417fs, H454fs, H412fs, H377fs.
Identifiers: ClinVar variation 2107586 (VCV002107586.5), dbSNP rs2497145399, ClinGen allele CA2580084453.